The following is an entry in ClinVar:

ClinVar aggregate classification (germline): Likely pathogenic (1 of 4 stars; one submission).

Conditions:
Cardiovascular phenotype. Identifiers: MedGen CN230736.

Submission:

Molecular Diagnostic Laboratory for Inherited Cardiovascular Disease, Montreal Heart Institute
Classification: Likely pathogenic for Cardiovascular phenotype. Last evaluated: 2025-06-05. Review status: criteria provided, single submitter. Criteria: ACMG Guidelines, 2015. Collection method: clinical testing. Allele origin: germline. Affected: yes.
Comment: PVS1, PM2

NM_001458.5(FLNC):c.25_26del (p.Asp9fs)

Gene: FLNC (filamin C; plus strand). Cytogenetic location: 7q32.1.
Variant type: Deletion.
Coding change: c.25_26del on transcript NM_001458.5 (MANE Select); coding-DNA positions 25 to 26, 2 bases deleted (GA; older notation c.25_26delGA).
Protein change: p.Asp9fs; shifts the reading frame from aspartic acid 9.
Molecular consequence: frameshift variant.
Genome position (GRCh38, 1-based): chr7:128,830,662-128,830,663, GA deleted; deleting any 2 consecutive bases within chr7:128,830,661-128,830,663 gives the same sequence; the c. name uses the placement nearest the transcript's 3' end. VCF-style (leftmost placement, unchanged base first): chr7-128830660-CAG-C. GRCh37 (hg19) VCF-style: chr7-128470714-CAG-C.
Other names: c.25_26del, p.Asp9fs (NM_001127487.2); c.25_26delGA, p.Asp9Argfs (NM_001458.4); short protein forms D9fs.
Identifiers: ClinVar variation 4076450 (VCV004076450.1).